The following is an entry in ClinVar:

NM_017565.4(FAM20A):c.325C>A (p.Leu109Ile)

Gene: FAM20A (FAM20A golgi associated secretory pathway pseudokinase; minus strand). Cytogenetic location: 17q24.2.
Variant type: single nucleotide variant.
Coding change: c.325C>A on transcript NM_017565.4 (MANE Select); coding-DNA position 325, C replaced by A.
Protein change: p.Leu109Ile; replaces leucine 109 with isoleucine.
Molecular consequence: missense variant. On other transcripts: 5 prime UTR variant (1).
Genome position (GRCh38, 1-based): chr17:68,600,342, G>T on the plus strand (C>A on the coding strand, the complement: FAM20A is on the minus strand). VCF-style: chr17-68600342-G-T. GRCh37 (hg19) VCF-style: chr17-66596483-G-T.
Other names: c.-316C>A (NM_001243746.2); short protein forms L109I.
Identifiers: ClinVar variation 5008270 (VCV005008270.1).

ClinVar aggregate classification (germline): Uncertain significance (1 of 4 stars; one submission).

gnomAD v4.1: 2 of 1,599,014 alleles (0.00013%); highest among the groups gnomAD compares: African/African-American, 0.0027%; no homozygotes.

Submission:

GeneDx
Classification: Uncertain significance. Last evaluated: 2026-03-09. Review status: criteria provided, single submitter. Criteria: GeneDx Variant Classification Process June 2021. Collection method: clinical testing. Allele origin: germline.
Comment: Not observed at significant frequency in large population cohorts (gnomAD); In silico analysis suggests that this missense variant does not alter protein structure/function; Has not been previously published as pathogenic or benign to our knowledge